The following is an entry in ClinVar:

NM_000447.3(PSEN2):c.298A>G (p.Ile100Val)

Gene: PSEN2 (presenilin 2; plus strand). Cytogenetic location: 1q42.13.
Variant type: single nucleotide variant.
Coding change: c.298A>G on transcript NM_000447.3 (MANE Select); coding-DNA position 298, A replaced by G.
Protein change: p.Ile100Val; replaces isoleucine 100 with valine.
Molecular consequence: missense variant.
Genome position (GRCh38, 1-based): chr1:226,883,861, A>G. VCF-style: chr1-226883861-A-G. GRCh37 (hg19) VCF-style: chr1-227071562-A-G.
Other names: c.298A>G, p.Ile100Val (NM_012486.3); short protein forms I100V.
Identifiers: ClinVar variation 1464398 (VCV001464398.6), dbSNP rs1182707759, ClinGen allele CA345329794.
Genomic context (GRCh38, chr1:226,883,861, plus strand): 5'-ACCCTCAAATACGGAGCGAAGCACGTGATCATGCTGTTTGTGCCTGTCACTCTGTGCATG[A>G]TCGTGGTGGTAGCCACCATCAAGTCTGTGCGCTTCTACACAGAGAAGAATGGACAGCTGT-3'
Protein context (NP_000438.2, residues 90-110): MLFVPVTLCM[Ile100Val]VVVATIKSVR

ClinVar aggregate classification (germline): Uncertain significance (1 of 4 stars; one submission).

Conditions:
Alzheimer disease 4 (AD4). Identifiers: Orphanet 1020, MedGen C1847200, MONDO:0011743, OMIM 606889.

Allele frequency attached by ClinVar (database versions not stated): gnomAD exomes below 0.00001.

Submission:

Labcorp Genetics (formerly Invitae), Labcorp
Classification: Uncertain significance for Alzheimer disease 4. Last evaluated: 2022-11-22. Review status: criteria provided, single submitter. Criteria: Invitae Variant Classification Sherloc (09022015). Collection method: clinical testing. Allele origin: germline.
Comment: This variant has not been reported in the literature in individuals affected with PSEN2-related conditions. This variant is present in population databases (no rsID available, gnomAD 0.0009%). This sequence change replaces isoleucine, which is neutral and non-polar, with valine, which is neutral and non-polar, at codon 100 of the PSEN2 protein (p.Ile100Val). ClinVar contains an entry for this variant (Variation ID: 1464398). In summary, the available evidence is currently insufficient to determine the role of this variant in disease. Therefore, it has been classified as a Variant of Uncertain Significance. Advanced modeling of protein sequence and biophysical properties (such as structural, functional, and spatial information, amino acid conservation, physicochemical variation, residue mobility, and thermodynamic stability) performed at Invitae indicates that this missense variant is not expected to disrupt PSEN2 protein function.